The following is an entry in ClinVar:

NM_000038.6(APC):c.3226C>G (p.Pro1076Ala)

Gene: APC (APC regulator of Wnt signaling pathway; plus strand). Cytogenetic location: 5q22.2.
Variant type: single nucleotide variant.
Coding change: c.3226C>G on transcript NM_000038.6 (MANE Select); coding-DNA position 3226, C replaced by G.
Protein change: p.Pro1076Ala; replaces proline 1076 with alanine.
Molecular consequence: missense variant. On other transcripts: non-coding transcript variant (2).
Genome position (GRCh38, 1-based): chr5:112,838,820, C>G. VCF-style: chr5-112838820-C-G. GRCh37 (hg19) VCF-style: chr5-112174517-C-G.
Other names: c.3226C>G, p.Pro1076Ala (NM_001127510.3, NM_001354895.2, NM_001407450.1); c.3172C>G, p.Pro1058Ala (NM_001127511.3); c.3280C>G, p.Pro1094Ala (NM_001354896.2, NM_001407447.1, NM_001407448.1 and 1 more transcripts); c.3256C>G, p.Pro1086Ala (NM_001354897.2); c.3151C>G, p.Pro1051Ala (NM_001354898.2); c.3142C>G, p.Pro1048Ala (NM_001354899.2); c.3103C>G, p.Pro1035Ala (NM_001354900.2); c.3049C>G, p.Pro1017Ala (NM_001354901.2, NM_001407453.1); and 11 more; short protein forms P1017A, P1051A, P1076A, P1094A, P947A, P950A, P1058A, P975A.
Identifiers: ClinVar variation 3635439 (VCV003635439.2).

ClinVar aggregate classification (germline): Uncertain significance (1 of 4 stars; one submission).

Conditions:
Familial adenomatous polyposis 1 (FAP1). Also called: FAMILIAL ADENOMATOUS POLYPOSIS 1, ATTENUATED; POLYPOSIS, ADENOMATOUS INTESTINAL. Identifiers: MedGen C2713442, MONDO:0021056, OMIM 175100. Disease mechanism: loss of function.

Submission:

Labcorp Genetics (formerly Invitae), Labcorp
Classification: Uncertain significance for Familial adenomatous polyposis 1. Last evaluated: 2025-01-17. Review status: criteria provided, single submitter. Criteria: Invitae Variant Classification Sherloc (09022015). Collection method: clinical testing. Allele origin: germline.
Comment: This sequence change replaces proline, which is neutral and non-polar, with alanine, which is neutral and non-polar, at codon 1076 of the APC protein (p.Pro1076Ala). This variant is not present in population databases (gnomAD no frequency). This variant has not been reported in the literature in individuals affected with APC-related conditions. Invitae Evidence Modeling of protein sequence and biophysical properties (such as structural, functional, and spatial information, amino acid conservation, physicochemical variation, residue mobility, and thermodynamic stability) indicates that this missense variant is not expected to disrupt APC protein function with a negative predictive value of 95%. In summary, the available evidence is currently insufficient to determine the role of this variant in disease. Therefore, it has been classified as a Variant of Uncertain Significance.